The following is an entry in ClinVar:

NM_000088.4(COL1A1):c.613C>G (p.Pro205Ala)

Gene: COL1A1 (collagen type I alpha 1 chain; minus strand). Cytogenetic location: 17q21.33.
Variant type: single nucleotide variant.
Coding change: c.613C>G on transcript NM_000088.4 (MANE Select); coding-DNA position 613, C replaced by G.
Protein change: p.Pro205Ala; replaces proline 205 with alanine.
Molecular consequence: missense variant.
Genome position (GRCh38, 1-based): chr17:50,197,978, G>C on the plus strand (C>G on the coding strand, the complement: COL1A1 is on the minus strand). VCF-style: chr17-50197978-G-C. GRCh37 (hg19) VCF-style: chr17-48275339-G-C.
Other names: short protein forms P205A.
Identifiers: ClinVar variation 218424 (VCV000218424.68), dbSNP rs72667032, ClinGen allele CA249240.
Genomic context (GRCh38, chr17:50,197,978, plus strand): 5'-AGGAGTATGAATCTGTATAGAGAGTGCTTACTGAAGCTCCAGGCTCGCCAGGCTCACCAG[G>C]GGGACCTTGGAAGCCTTGGGGACCCTTGAGAAGAAGGAAAAAGATGGGTTAGAAGACAAG-3'
Protein context (NP_000079.2, residues 195-215): APGPQGFQGP[Pro205Ala]GEPGEPGASG

ClinVar aggregate classification (germline): Conflicting classifications of pathogenicity. Review status: criteria provided, conflicting classifications (1 of 4 stars). 25 submissions from 22 submitters: Uncertain significance (4); Benign (11); Likely benign (7). 3 of the submissions do not count toward it. Last evaluated 2026-09-21.

Conditions:
Ehlers-Danlos syndrome (EDS). Identifiers: Orphanet 98249, MedGen C0013720, MONDO:0020066.
Cardiovascular phenotype. Identifiers: MedGen CN230736.
Connective tissue disorder. Also called: Connective tissue disease. Identifiers: MedGen C0009782, MONDO:0003900.
Osteogenesis imperfecta type I (OI1). Also called: Lobstein's Disease; Classic Non-deforming Osteogenesis Imperfecta with Blue Sclerae; Osteogenesis imperfecta type 1; Lobstein disease; OI, TYPE I; OSTEOGENESIS IMPERFECTA TARDA. Identifiers: Orphanet 216796, Orphanet 666, MedGen C0023931, MONDO:0008146, OMIM 166200. Disease mechanism: loss of function.
Osteogenesis imperfecta (OI). Identifiers: Orphanet 666, MedGen C0029434, MeSH D010013, MONDO:0019019.
Infantile cortical hyperostosis. Also called: P1PK BLOOD GROUP SYSTEM, P(2) PHENOTYPE; Caffey Disease; Hyperostosis, Cortical, Congenital. Identifiers: Orphanet 1310, MedGen C0020497, MONDO:0007244, OMIM 114000.
Ehlers-Danlos syndrome, arthrochalasia type. Also called: ARTHROCHALASIS MULTIPLEX CONGENITA; EDS VII, MUTANT PROCOLLAGEN TYPE; EDS VIIA; Ehlers-Danlos syndrome, arthrochalasis type; Ehlers-Danlos syndrome, arthrochalasia type, 1. Identifiers: Orphanet 1899, Orphanet 99875, Orphanet 99876, MedGen C4551623, MONDO:0007525, OMIM 130060.

Allele frequency attached by ClinVar (database versions not stated): 1000 Genomes Project 0.00180; 1000 Genomes Project 30x 0.00187; TOPMed 0.00299; gnomAD 0.00324 and 0.00331; gnomAD exomes 0.00334 and 0.00516; ExAC 0.00358; ESP Exome Variant Server 0.00408.
gnomAD v4.1: 8,021 of 1,614,078 alleles (0.5%); highest among the groups gnomAD compares: Non-Finnish European, 0.59%; 27 homozygotes.

Submissions (25):

Molecular Diagnostic Laboratory for Inherited Cardiovascular Disease, Montreal Heart Institute
Classification: Likely benign. Last evaluated: 2026-09-21. Review status: criteria provided, single submitter. Criteria: ACMG Guidelines, 2015. Collection method: clinical testing. Allele origin: germline. Affected: no.
Comment: BS1

CeGaT Center for Human Genetics Tuebingen
Classification: Benign. Last evaluated: 2026-09-01. Review status: criteria provided, single submitter. Criteria: CeGaT Center For Human Genetics Tuebingen Variant Classification Criteria Version 2. Collection method: clinical testing. Allele origin: germline. Affected: yes. Observed: 19 variant alleles.
Comment: COL1A1: BS1, BS2

Labcorp Genetics (formerly Invitae), Labcorp
Classification: Benign for Osteogenesis imperfecta type I. Last evaluated: 2026-02-02. Review status: criteria provided, single submitter. Criteria: Invitae Variant Classification Sherloc (09022015). Collection method: clinical testing. Allele origin: germline.

ARUP Laboratories, Molecular Genetics and Genomics, ARUP Laboratories
Classification: Benign. Last evaluated: 2025-03-07. Review status: criteria provided, single submitter. Criteria: ARUP Molecular Germline Variant Investigation Process 2024. Collection method: clinical testing. Allele origin: germline.

Center for Genomic Medicine, Rigshospitalet, Copenhagen University Hospital
Classification: Uncertain significance. Last evaluated: 2025-03-04. Review status: criteria provided, single submitter. Criteria: ACMG Guidelines, 2015. Collection method: clinical testing. Allele origin: germline.

Blueprint Genetics
Classification: Likely benign. Last evaluated: 2024-11-26. Review status: criteria provided, single submitter. Criteria: ACMG Guidelines, 2015. Collection method: clinical testing. Allele origin: germline.

Molecular Genetics, Royal Melbourne Hospital
Classification: Benign for Osteogenesis imperfecta. Last evaluated: 2024-01-05. Review status: criteria provided, single submitter. Criteria: ACMG Guidelines, 2015. Collection method: clinical testing. Allele origin: germline. Inheritance: Autosomal dominant inheritance. Affected: no.

Clinical Genetics Laboratory, Skane University Hospital Lund
Classification: Likely benign. Last evaluated: 2022-05-27. Review status: criteria provided, single submitter. Criteria: ACMG Guidelines, 2015. Collection method: clinical testing. Allele origin: germline. Affected: yes.

Genome Diagnostics Laboratory, The Hospital for Sick Children
Classification: Benign for Ehlers-Danlos syndrome. Last evaluated: 2022-03-11. Review status: criteria provided, single submitter. Criteria: ACMG Guidelines, 2015. Collection method: clinical testing. Allele origin: germline.

Genome Diagnostics Laboratory, The Hospital for Sick Children
Classification: Benign for Osteogenesis imperfecta. Last evaluated: 2022-01-22. Review status: criteria provided, single submitter. Criteria: ACMG Guidelines, 2015. Collection method: clinical testing. Allele origin: germline.

Mayo Clinic Laboratories, Mayo Clinic
Classification: Benign. Last evaluated: 2020-02-26. Review status: criteria provided, single submitter. Criteria: ACMG Guidelines, 2015. Collection method: clinical testing. Allele origin: germline. Observed: 45 variant alleles.

Athena Diagnostics
Classification: Benign. Last evaluated: 2019-07-02. Review status: criteria provided, single submitter. Criteria: Athena Diagnostics Criteria. Collection method: clinical testing. Allele origin: germline.

Ambry Genetics
Classification: Likely benign for Cardiovascular phenotype. Last evaluated: 2019-02-01. Review status: criteria provided, single submitter. Criteria: Ambry Variant Classification Scheme 2023. Collection method: clinical testing. Allele origin: germline.

GeneDx
Classification: Benign. Last evaluated: 2018-12-11. Review status: criteria provided, single submitter. Criteria: GeneDx Variant Classification Process June 2021. Collection method: clinical testing. Allele origin: germline. Affected: yes.
Comment: This variant is associated with the following publications: (PMID: 30715774, 27884173, 8079666)

Illumina Laboratory Services, Illumina
Classification: Likely benign for Ehlers-Danlos syndrome, arthrochalasia type. Last evaluated: 2017-04-27. Review status: criteria provided, single submitter. Criteria: ICSL Variant Classification Criteria 13 December 2019. Collection method: clinical testing. Allele origin: germline.
Comment: This variant was observed as part of a predisposition screen in an ostensibly healthy population. A literature search was performed for the gene, cDNA change, and amino acid change (where applicable). No publications were found based on this search. Allele frequency data from public databases allowed determination this variant is unlikely to cause disease. Therefore, this variant is classified as likely benign.

Illumina Laboratory Services, Illumina
Classification: Likely benign for Osteogenesis imperfecta. Last evaluated: 2017-04-27. Review status: criteria provided, single submitter. Criteria: ICSL Variant Classification Criteria 13 December 2019. Collection method: clinical testing. Allele origin: germline.
Comment: the same text as in the submission from Illumina Laboratory Services, Illumina above.

Illumina Laboratory Services, Illumina
Classification: Uncertain significance for Infantile cortical hyperostosis. Last evaluated: 2017-04-27. Review status: criteria provided, single submitter. Criteria: ICSL Variant Classification Criteria 13 December 2019. Collection method: clinical testing. Allele origin: germline.

Center for Human Genetics, Inc
Classification: Uncertain significance for Connective tissue disorder. Last evaluated: 2016-11-01. Review status: criteria provided, single submitter. Criteria: ACMG Guidelines, 2015. Collection method: clinical testing. Allele origin: germline. Affected: yes.

GenePathDx, GenePath diagnostics
Classification: Uncertain significance for Osteogenesis imperfecta. Last evaluated: 2016-06-01. Review status: criteria provided, single submitter. Criteria: GenePathDx_Criteria_classificationV2. Collection method: clinical testing. Allele origin: germline. Inheritance: Autosomal dominant inheritance. Affected: yes. Observed: 1 variant allele.
Comment: Sclera and dentition are apparently normal. Next generation DNA sequencing peripheral blood sample has revealed the presence of the heterozygous variant c.613C>G in the COL1A1 gene. This variant is being called a â€œvariant of unknown significanceâ€ based on available evidence in the databases and in silico mutation prediction methods. Kindly correlate with the family history and clinical details.

Center for Pediatric Genomic Medicine, Children's Mercy Hospital and Clinics
Classification: Likely benign. Last evaluated: 2015-09-29. Review status: criteria provided, single submitter. Criteria: ACMG Guidelines, 2015. Collection method: clinical testing. Allele origin: germline.
ClinVar note: Converted during submission from Likely Benign to Likely benign.

Eurofins Ntd Llc (ga)
Classification: Benign. Last evaluated: 2015-07-15. Review status: criteria provided, single submitter. Criteria: EGL Classification Definitions 2015. Collection method: clinical testing. Allele origin: germline. Observed: 1 variant allele, 1 heterozygote.

Genomic Diagnostic Laboratory, Division of Genomic Diagnostics, Children's Hospital of Philadelphia
Classification: Benign. Last evaluated: 2015-06-19. Review status: criteria provided, single submitter. Criteria: DGD Variant Analysis Guidelines. Collection method: clinical testing. Allele origin: unknown.

Clinical Genetics DNA and cytogenetics Diagnostics Lab, Erasmus MC, Erasmus Medical Center
Classification: Likely benign. Review status: no assertion criteria provided. Collection method: clinical testing. Allele origin: germline. Affected: yes. Study: VKGL Data-share Consensus. Not counted in ClinVar's aggregate classification.

Genome Diagnostics Laboratory, Amsterdam University Medical Center
Classification: Likely benign. Review status: no assertion criteria provided. Collection method: clinical testing. Allele origin: germline. Affected: yes. Study: VKGL Data-share Consensus. Not counted in ClinVar's aggregate classification.

Genome Diagnostics Laboratory, University Medical Center Utrecht
Classification: Benign. Review status: no assertion criteria provided. Collection method: clinical testing. Allele origin: germline. Affected: yes. Study: VKGL Data-share Consensus. Not counted in ClinVar's aggregate classification.

Literature cited by the submitters: PubMed 8079666 (cited by Athena Diagnostics); PubMed 29946973 (cited by Athena Diagnostics); PubMed 15741671 (cited by Athena Diagnostics); PubMed 18028452 (cited by Athena Diagnostics); PubMed 16786509 (cited by Athena Diagnostics and Eurofins Ntd Llc (ga)); PubMed 20696291 (cited by Athena Diagnostics and Eurofins Ntd Llc (ga)); PubMed 19550437 (cited by Athena Diagnostics).